The following is an entry in ClinVar:

NM_003922.4(HERC1):c.10315A>G (p.Lys3439Glu)

Gene: HERC1 (HECT and RLD domain containing E3 ubiquitin protein ligase family member 1; minus strand). Cytogenetic location: 15q22.31.
Variant type: single nucleotide variant.
Coding change: c.10315A>G on transcript NM_003922.4 (MANE Select); coding-DNA position 10315, A replaced by G.
Protein change: p.Lys3439Glu; replaces lysine 3439 with glutamic acid.
Molecular consequence: missense variant.
Genome position (GRCh38, 1-based): chr15:63,652,517, T>C on the plus strand (A>G on the coding strand, the complement: HERC1 is on the minus strand). VCF-style: chr15-63652517-T-C. GRCh37 (hg19) VCF-style: chr15-63944716-T-C.
Other names: short protein forms K3439E.
Identifiers: ClinVar variation 2431473 (VCV002431473.1), dbSNP rs767069176, ClinGen allele CA7604499.

ClinVar aggregate classification (germline): Uncertain significance (1 of 4 stars; one submission).

Conditions:
Macrocephaly, dysmorphic facies, and psychomotor retardation (MDFPMR). Identifiers: Orphanet 457359, MedGen C4310766, MONDO:0014863, OMIM 617011.

Allele frequency attached by ClinVar (database versions not stated): gnomAD exomes below 0.00001; ExAC 0.00002.
gnomAD v4.1: 3 of 1,600,282 alleles (0.00019%); highest among the groups gnomAD compares: Non-Finnish European, 0.00026%; no homozygotes.

Submission:

Laboratorio de Genetica e Diagnostico Molecular, Hospital Israelita Albert Einstein
Classification: Uncertain significance for Macrocephaly, dysmorphic facies, and psychomotor retardation. Last evaluated: 2022-11-04. Review status: criteria provided, single submitter. Criteria: ACMG Guidelines, 2015. Collection method: clinical testing. Allele origin: germline. Affected: yes. Observed: 1 variant allele.
Comment: ACMG classification criteria: PM2 moderated, PP2 supporting, BP4 supporting